The following is an entry in ClinVar:

ClinVar aggregate classification (germline): Uncertain significance (1 of 4 stars; one submission).

gnomAD v4.1: 1 of 1,209,351 alleles (0.000083%); highest among the groups gnomAD compares: African/African-American, 0.0018%; no homozygotes.

Submission:

GeneDx
Classification: Uncertain significance. Last evaluated: 2026-03-28. Review status: criteria provided, single submitter. Criteria: GeneDx Variant Classification Process June 2021. Collection method: clinical testing. Allele origin: germline.
Comment: Not observed at significant frequency in large population cohorts (gnomAD); In silico analysis suggests that this missense variant does not alter protein structure/function; Has not been previously published as pathogenic or benign to our knowledge

NM_001379451.1(BCORL1):c.2119A>G (p.Thr707Ala)

Gene: BCORL1 (BCL6 corepressor like 1; plus strand). Cytogenetic location: Xq26.1.
Variant type: single nucleotide variant.
Coding change: c.2119A>G on transcript NM_001379451.1 (MANE Select); coding-DNA position 2119, A replaced by G.
Protein change: p.Thr707Ala; replaces threonine 707 with alanine.
Molecular consequence: missense variant.
Genome position (GRCh38, 1-based): chrX:130,014,891, A>G. VCF-style: chrX-130014891-A-G. GRCh37 (hg19) VCF-style: chrX-129148867-A-G.
Other names: c.2119A>G, p.Thr707Ala (NM_001184772.3, NM_001379450.1, NM_001441326.1 and 7 more transcripts); short protein forms T707A.
Identifiers: ClinVar variation 5017817 (VCV005017817.1).